The following is an entry in ClinVar:

ClinVar aggregate classification (germline): Pathogenic (1 of 4 stars; one submission).

Conditions:
Primary ciliary dyskinesia 3. Identifiers: Orphanet 244, MedGen C1837618, MONDO:0012085, OMIM 608644.

Submission:

Myriad Genetics, Inc.
Classification: Pathogenic for Primary ciliary dyskinesia 3. Last evaluated: 2024-05-14. Review status: criteria provided, single submitter. Criteria: Myriad Autosomal Dominant, Autosomal Recessive and X-Linked Classification Criteria (2023). Collection method: clinical testing. Allele origin: unknown.
Comment: NM_001369.2(DNAH5):c.11078_11079ins5(I3694Vfs*16) is expected to be pathogenic in the context of primary ciliary dyskinesia, DNAH5-related. This variant is predicted to lead to an abnormal or absent protein product due to the creation of a premature termination codon in DNAH5, a gene where loss-of-function variants are known to be pathogenic. Please note: this variant was assessed in the context of healthy population screening.

NM_001369.3(DNAH5):c.11078_11079insTGTTT (p.Ile3694fs)

Gene: DNAH5 (dynein axonemal heavy chain 5; minus strand). Cytogenetic location: 5p15.2.
Variant type: Insertion.
Coding change: c.11078_11079insTGTTT on transcript NM_001369.3 (MANE Select); coding-DNA positions 11078 to 11079, TGTTT inserted.
Protein change: p.Ile3694fs; shifts the reading frame from isoleucine 3694.
Molecular consequence: frameshift variant.
Genome position: GRCh38 VCF-style: chr5-13751210-G-GAAACA. GRCh37 (hg19) VCF-style: chr5-13751319-G-GAAACA.
Other names: short protein forms I3694fs.
Identifiers: ClinVar variation 5011046 (VCV005011046.1).
Genomic context (GRCh38, chr5:13,751,210, plus strand): 5'-GATGGAGGTACGGGCACTTATCTCAGGGGTGTAGGCTGGGTTAGGCAATTTGGTGGTAAT[G>GAAACA]TAGAGTCTAAAGCCATCCAACACATCTACTTCCTTGTCACCAACTTTCACCTTTTTTATA-3'